The following is an entry in ClinVar:

ClinVar aggregate classification (germline): Pathogenic (1 of 4 stars; one submission).

Conditions:
Alagille syndrome due to a JAG1 point mutation. Also called: HEPATIC DUCTULAR HYPOPLASIA, SYNDROMATIC; Alagille Syndrome 1; JAG1-Related Alagille Syndrome. Identifiers: Orphanet 261619, Orphanet 52, MedGen C1956125, MONDO:0016862, OMIM 118450.

Submission:

Labcorp Genetics (formerly Invitae), Labcorp
Classification: Pathogenic for Alagille syndrome due to a JAG1 point mutation. Last evaluated: 2022-07-12. Review status: criteria provided, single submitter. Criteria: Invitae Variant Classification Sherloc (09022015). Collection method: clinical testing. Allele origin: germline.
Comment: ClinVar contains an entry for this variant (Variation ID: 1385095). For these reasons, this variant has been classified as Pathogenic. This variant is also known as c.3276C>T. This premature translational stop signal has been observed in individual(s) with Alagille syndrome (PMID: 12497640). This variant is not present in population databases (gnomAD no frequency). This sequence change creates a premature translational stop signal (p.Gln955*) in the JAG1 gene. It is expected to result in an absent or disrupted protein product. Loss-of-function variants in JAG1 are known to be pathogenic (PMID: 11180599).

Literature cited by the submitters: PubMed 12497640; PubMed 11180599.

NM_000214.3(JAG1):c.2863C>T (p.Gln955Ter)

Gene: JAG1 (jagged canonical Notch ligand 1; minus strand). Cytogenetic location: 20p12.2.
Variant type: single nucleotide variant.
Coding change: c.2863C>T on transcript NM_000214.3 (MANE Select); coding-DNA position 2863, C replaced by T.
Protein change: p.Gln955Ter; replaces glutamine 955 with a stop codon.
Molecular consequence: nonsense.
Genome position (GRCh38, 1-based): chr20:10,641,513, G>A on the plus strand (C>T on the coding strand, the complement: JAG1 is on the minus strand). VCF-style: chr20-10641513-G-A. GRCh37 (hg19) VCF-style: chr20-10622161-G-A.
Other names: short protein forms Q955*.
Identifiers: ClinVar variation 1385095 (VCV001385095.6), dbSNP rs2122596452, ClinGen allele CA408244811.